The following is an entry in ClinVar:

ClinVar aggregate classification (germline): Pathogenic (1 of 4 stars; one submission).

gnomAD v4.1: 11 of 1,614,112 alleles (0.00068%); highest among the groups gnomAD compares: Admixed American, 0.0017%; no homozygotes.

Submission:

Labcorp Genetics (formerly Invitae), Labcorp
Classification: Pathogenic. Last evaluated: 2025-06-05. Review status: criteria provided, single submitter. Criteria: Invitae Variant Classification Sherloc (09022015). Collection method: clinical testing. Allele origin: germline.
Comment: This sequence change creates a premature translational stop signal (p.Arg510*) in the NBAS gene. It is expected to result in an absent or disrupted protein product. Loss-of-function variants in NBAS are known to be pathogenic (PMID: 26073778, 26541327, 27789416, 28031453). This variant is present in population databases (rs563288128, gnomAD 0.006%). This premature translational stop signal has been observed in individual(s) with clinical features of NBAS-related conditions (PMID: 31761904). For these reasons, this variant has been classified as Pathogenic.

Literature cited by the submitters: PubMed 26073778; PubMed 26541327; PubMed 27789416; PubMed 28031453; PubMed 31761904.

NM_015909.4(NBAS):c.1528C>T (p.Arg510Ter)

Gene: NBAS (NBAS subunit of NRZ tethering complex; minus strand). Cytogenetic location: 2p24.3.
Variant type: single nucleotide variant.
Coding change: c.1528C>T on transcript NM_015909.4 (MANE Select); coding-DNA position 1528, C replaced by T.
Protein change: p.Arg510Ter; replaces arginine 510 with a stop codon.
Molecular consequence: nonsense. On other transcripts: non-coding transcript variant (1).
Genome position (GRCh38, 1-based): chr2:15,474,138, G>A on the plus strand (C>T on the coding strand, the complement: NBAS is on the minus strand). VCF-style: chr2-15474138-G-A. GRCh37 (hg19) VCF-style: chr2-15614262-G-A.
Other names: short protein forms R510*.
Identifiers: ClinVar variation 4707125 (VCV004707125.1), dbSNP rs563288128.